The following is an entry in ClinVar:

ClinVar aggregate classification (germline): Uncertain significance (1 of 4 stars; one submission).

Conditions:
LAMA1-related disorder. Also called: LAMA1-related disorders; LAMA1-related condition.

Allele frequency attached by ClinVar (database versions not stated): gnomAD exomes below 0.00001; gnomAD 0.00001; TOPMed 0.00001.
gnomAD v4.1: 9 of 1,614,000 alleles (0.00056%); highest among the groups gnomAD compares: Non-Finnish European, 0.00076%; no homozygotes.

Submission:

PreventionGenetics, part of Exact Sciences
Classification: Uncertain significance for LAMA1-related condition. Last evaluated: 2023-08-02. Review status: criteria provided, single submitter. Criteria: ACMG Guidelines, 2015. Collection method: clinical testing. Allele origin: germline.
Comment: The LAMA1 c.524G>A variant is predicted to result in the amino acid substitution p.Arg175Lys. To our knowledge, this variant has not been reported in the literature. This variant is reported in 0.0065% of alleles in individuals of European (Non-Finnish) descent in gnomAD. At this time, the clinical significance of this variant is uncertain due to the absence of conclusive functional and genetic evidence.

NM_005559.4(LAMA1):c.524G>A (p.Arg175Lys)

Gene: LAMA1 (laminin subunit alpha 1; minus strand). Cytogenetic location: 18p11.31.
Variant type: single nucleotide variant.
Coding change: c.524G>A on transcript NM_005559.4 (MANE Select); coding-DNA position 524, G replaced by A.
Protein change: p.Arg175Lys; replaces arginine 175 with lysine.
Molecular consequence: missense variant.
Genome position (GRCh38, 1-based): chr18:7,050,758, C>T on the plus strand (G>A on the coding strand, the complement: LAMA1 is on the minus strand). VCF-style: chr18-7050758-C-T. GRCh37 (hg19) VCF-style: chr18-7050757-C-T.
Other names: short protein forms R175K.
Identifiers: ClinVar variation 2629022 (VCV002629022.1), dbSNP rs1207269532, ClinGen allele CA401842660.